The following is an entry in ClinVar:

NM_000158.4(GBE1):c.1803+5G>T

Gene: GBE1 (1,4-alpha-glucan branching enzyme 1; minus strand). Cytogenetic location: 3p12.2.
Variant type: single nucleotide variant.
Coding change: c.1803+5G>T on transcript NM_000158.4 (MANE Select); 5 bases into the intron after coding-DNA position 1803, G replaced by T.
Molecular consequence: intron variant.
Genome position (GRCh38, 1-based): chr3:81,536,906, C>A on the plus strand (G>T on the coding strand, the complement: GBE1 is on the minus strand). VCF-style: chr3-81536906-C-A. GRCh37 (hg19) VCF-style: chr3-81586057-C-A.
Identifiers: ClinVar variation 2042405 (VCV002042405.4), dbSNP rs1281000699, ClinGen allele CA2577825687.
Genomic context (GRCh38, chr3:81,536,906, plus strand): 5'-GGTTGCCATTCTAGGCATGTACCTCATTGGTGACTAAAACACAGCATCCAGAGTGAAGAG[C>A]TTACCTGTGGAGCTGCAAGCCAACCATATCTTTCTTCCAATCTATTCATATCCCTGTCAA-3'

ClinVar aggregate classification (germline): Uncertain significance (1 of 4 stars; one submission).

Conditions:
Glycogen storage disease, type IV (GSD4). Also called: GLYCOGENOSIS IV; GSD IV; Glycogen storage disease due to glycogen branching enzyme deficiency; AMYLOPECTINOSIS; ANDERSEN DISEASE; BRANCHER DEFICIENCY. Identifiers: Orphanet 367, MedGen C0017923, MONDO:0009292, OMIM 232500.
Glycogen storage disease IV, classic hepatic. Also called: GSD IV, CLASSIC HEPATIC. Identifiers: MedGen C1856301.

Submission:

Labcorp Genetics (formerly Invitae), Labcorp
Classification: Uncertain significance for Glycogen storage disease, type IV; Glycogen storage disease IV, classic hepatic. Last evaluated: 2024-10-15. Review status: criteria provided, single submitter. Criteria: Invitae Variant Classification Sherloc (09022015). Collection method: clinical testing. Allele origin: germline.
Comment: This sequence change falls in intron 13 of the GBE1 gene. It does not directly change the encoded amino acid sequence of the GBE1 protein. It affects a nucleotide within the consensus splice site. This variant is not present in population databases (gnomAD no frequency). This variant has not been reported in the literature in individuals affected with GBE1-related conditions. ClinVar contains an entry for this variant (Variation ID: 2042405). Variants that disrupt the consensus splice site are a relatively common cause of aberrant splicing (PMID: 17576681, 9536098). Algorithms developed to predict the effect of sequence changes on RNA splicing suggest that this variant is not likely to affect RNA splicing. In summary, the available evidence is currently insufficient to determine the role of this variant in disease. Therefore, it has been classified as a Variant of Uncertain Significance.

Literature cited by the submitters: PubMed 17576681; PubMed 9536098.